The following is an entry in ClinVar:

NM_004606.5(TAF1):c.779G>A (p.Arg260Gln)

Gene: TAF1 (TATA-box binding protein associated factor 1; plus strand). Cytogenetic location: Xq13.1.
Variant type: single nucleotide variant.
Coding change: c.779G>A on transcript NM_004606.5 (MANE Select); coding-DNA position 779, G replaced by A.
Protein change: p.Arg260Gln; replaces arginine 260 with glutamine.
Molecular consequence: missense variant. On other transcripts: non-coding transcript variant (9).
Genome position (GRCh38, 1-based): chrX:71,377,667, G>A. VCF-style: chrX-71377667-G-A. GRCh37 (hg19) VCF-style: chrX-70597517-G-A.
Other names: c.779G>A, p.Arg260Gln (NM_001286074.2); c.716G>A, p.Arg239Gln (NM_138923.4); short protein forms R239Q, R260Q.
Identifiers: ClinVar variation 2572742 (VCV002572742.1), dbSNP rs753319651, ClinGen allele CA10446614.

ClinVar aggregate classification (germline): Uncertain significance (1 of 4 stars; one submission).

Allele frequency attached by ClinVar (database versions not stated): ExAC 0.00001; gnomAD 0.00002; 1000 Genomes Project 30x 0.00021; 1000 Genomes Project 0.00026.

Submission:

GeneDx
Classification: Uncertain significance. Last evaluated: 2023-07-01. Review status: criteria provided, single submitter. Criteria: GeneDx Variant Classification Process June 2021. Collection method: clinical testing. Allele origin: germline. Affected: yes.
Comment: Not observed at significant frequency in large population cohorts (gnomAD); In silico analysis supports that this missense variant has a deleterious effect on protein structure/function; Has not been previously published as pathogenic or benign to our knowledge